The following is an entry in ClinVar:

ClinVar aggregate classification (germline): Pathogenic (1 of 4 stars; one submission).

Conditions:
Emery-Dreifuss muscular dystrophy 4, autosomal dominant (EDMD4). Also called: EMERY-DREIFUSS MUSCULAR DYSTROPHY 4 WITH VARIABLE FEATURES. Identifiers: Orphanet 261, MedGen C2751807, MONDO:0013071, OMIM 612998.
Autosomal recessive ataxia, Beauce type. Also called: Spinocerebellar ataxia, autosomal recessive 8; ATAXIA, RECESSIVE, OF BEAUCE; SYNE1 Deficiency; SYNE1-Related Autosomal Recessive Cerebellar Ataxia. Identifiers: Orphanet 88644, MedGen C1853116, MONDO:0012549, OMIM 610743.

Submission:

Labcorp Genetics (formerly Invitae), Labcorp
Classification: Pathogenic for Emery-Dreifuss muscular dystrophy 4, autosomal dominant; Autosomal recessive ataxia, Beauce type. Last evaluated: 2021-12-02. Review status: criteria provided, single submitter. Criteria: Invitae Variant Classification Sherloc (09022015). Collection method: clinical testing. Allele origin: germline.
Comment: This sequence change creates a premature translational stop signal (p.Glu2297*) in the SYNE1 gene. It is expected to result in an absent or disrupted protein product. Loss-of-function variants in SYNE1 are known to be pathogenic (PMID: 19542096, 24319099, 27086870). This variant is not present in population databases (gnomAD no frequency). This variant has not been reported in the literature in individuals affected with SYNE1-related conditions. For these reasons, this variant has been classified as Pathogenic.

Literature cited by the submitters: PubMed 19542096; PubMed 24319099; PubMed 27086870.

NM_182961.4(SYNE1):c.6868G>T (p.Glu2290Ter)

Gene: SYNE1 (spectrin repeat containing nuclear envelope protein 1; minus strand). Cytogenetic location: 6q25.2.
Variant type: single nucleotide variant.
Coding change: c.6868G>T on transcript NM_182961.4 (MANE Select); coding-DNA position 6868, G replaced by T.
Protein change: p.Glu2290Ter; replaces glutamic acid 2290 with a stop codon.
Molecular consequence: nonsense.
Genome position (GRCh38, 1-based): chr6:152,401,299, C>A on the plus strand (G>T on the coding strand, the complement: SYNE1 is on the minus strand). VCF-style: chr6-152401299-C-A. GRCh37 (hg19) VCF-style: chr6-152722434-C-A.
Other names: c.6889G>T, p.Glu2297Ter (NM_033071.5); short protein forms E2290*, E2297*.
Identifiers: ClinVar variation 1450011 (VCV001450011.6), dbSNP rs2154151091, ClinGen allele CA366120289.